The following is an entry in ClinVar:

NM_017654.4(SAMD9):c.766A>C (p.Thr256Pro)

Gene: SAMD9 (sterile alpha motif domain containing 9; minus strand). Cytogenetic location: 7q21.2.
Variant type: single nucleotide variant.
Coding change: c.766A>C on transcript NM_017654.4 (MANE Select); coding-DNA position 766, A replaced by C.
Protein change: p.Thr256Pro; replaces threonine 256 with proline.
Molecular consequence: missense variant.
Genome position (GRCh38, 1-based): chr7:93,105,332, T>G on the plus strand (A>C on the coding strand, the complement: SAMD9 is on the minus strand). VCF-style: chr7-93105332-T-G. GRCh37 (hg19) VCF-style: chr7-92734645-T-G.
Other names: c.766A>C, p.Thr256Pro (NM_001193307.2); short protein forms T256P.
Identifiers: ClinVar variation 1721676 (VCV001721676.5), dbSNP rs1191357403, ClinGen allele CA368203872.
Genomic context (GRCh38, chr7:93,105,332, plus strand): 5'-GATGGTCTTCAAAATACTTGTTTATCATCAGATTGAAATGGTTAATGAGGGCTTCCTTGG[T>G]ATCATTGGTGACTTTGATGCCAACAATTTTCCCATGGGGTTTGTCTTTGACTCCAAAATG-3'
Protein context (NP_060124.2, residues 246-266): KIVGIKVTND[Thr256Pro]KEALINHFNL

ClinVar aggregate classification (germline): Uncertain significance (1 of 4 stars; one submission).

Submission:

Labcorp Genetics (formerly Invitae), Labcorp
Classification: Uncertain significance. Last evaluated: 2022-10-21. Review status: criteria provided, single submitter. Criteria: Invitae Variant Classification Sherloc (09022015). Collection method: clinical testing. Allele origin: germline.
Comment: In summary, the available evidence is currently insufficient to determine the role of this variant in disease. Therefore, it has been classified as a Variant of Uncertain Significance. Advanced modeling of protein sequence and biophysical properties (such as structural, functional, and spatial information, amino acid conservation, physicochemical variation, residue mobility, and thermodynamic stability) performed at Invitae indicates that this missense variant is not expected to disrupt SAMD9 protein function. This variant has not been reported in the literature in individuals affected with SAMD9-related conditions. This variant is not present in population databases (gnomAD no frequency). This sequence change replaces threonine, which is neutral and polar, with proline, which is neutral and non-polar, at codon 256 of the SAMD9 protein (p.Thr256Pro).